The following is an entry in ClinVar:

ClinVar aggregate classification (germline): Uncertain significance (1 of 4 stars; one submission).

Conditions:
Cardiovascular phenotype. Identifiers: MedGen CN230736.

Submission:

Ambry Genetics
Classification: Uncertain significance for Cardiovascular phenotype. Last evaluated: 2021-10-11. Review status: criteria provided, single submitter. Criteria: Ambry Variant Classification Scheme 2023. Collection method: clinical testing. Allele origin: germline.
Comment: The p.P3261A variant (also known as c.9781C>G), located in coding exon 67 of the DMD gene, results from a C to G substitution at nucleotide position 9781. The proline at codon 3261 is replaced by alanine, an amino acid with highly similar properties. This amino acid position is highly conserved in available vertebrate species. In addition, the in silico prediction for this alteration is inconclusive. Since supporting evidence is limited at this time, the clinical significance of this alteration remains unclear.

NM_004006.3(DMD):c.9781C>G (p.Pro3261Ala)

Gene: DMD (dystrophin; minus strand). Cytogenetic location: Xp21.2.
Variant type: single nucleotide variant.
Coding change: c.9781C>G on transcript NM_004006.3 (MANE Select); coding-DNA position 9781, C replaced by G.
Protein change: p.Pro3261Ala; replaces proline 3261 with alanine.
Molecular consequence: missense variant.
Genome position (GRCh38, 1-based): chrX:31,203,987, G>C on the plus strand (C>G on the coding strand, the complement: DMD is on the minus strand). VCF-style: chrX-31203987-G-C. GRCh37 (hg19) VCF-style: chrX-31222104-G-C.
Other names: c.9757C>G, p.Pro3253Ala (NM_000109.4); c.9769C>G, p.Pro3257Ala (NM_004009.3); c.9412C>G, p.Pro3138Ala (NM_004010.3); c.5758C>G, p.Pro1920Ala (NM_004011.4); c.5749C>G, p.Pro1917Ala (NM_004012.4); c.2401C>G, p.Pro801Ala (NM_004013.3, NM_004020.4, NM_004021.3 and 2 more transcripts); c.1594C>G, p.Pro532Ala (NM_004014.3); c.577C>G, p.Pro193Ala (NM_004015.3, NM_004016.3, NM_004017.3 and 2 more transcripts); short protein forms P3138A, P193A, P532A, P1920A, P3253A, P3261A, P801A, P1917A.
Identifiers: ClinVar variation 1768179 (VCV001768179.2), dbSNP rs2521056770, ClinGen allele CA412648398.